The following is an entry in ClinVar:

ClinVar aggregate classification (germline): Pathogenic. Review status: criteria provided, multiple submitters, no conflicts (2 of 4 stars). 6 submissions from 6 submitters: Pathogenic (6). Last evaluated 2025-09-10.

Conditions:
Classic homocystinuria. Also called: HOMOCYSTINURIA WITH OR WITHOUT RESPONSE TO PYRIDOXINE; Homocystinuria due to Cystathionine Beta-Synthase Deficiency; Homocystinuria due to CBS deficiency; Cystathionine beta-synthase deficiency; CBS deficiency. Identifiers: Orphanet 394, MedGen C0751202, MONDO:0009352, OMIM 236200.
HYPERHOMOCYSTEINEMIA, THROMBOTIC, CBS-RELATED. Identifiers: MedGen C3150344, OMIM 236200.

Allele frequency attached by ClinVar (database versions not stated): gnomAD exomes below 0.00001.

Submissions (6):

Natera, Inc.
Classification: Pathogenic for Homocystinuria due to cystathionine beta-synthase deficiency. Last evaluated: 2025-09-10. Review status: criteria provided, single submitter. Criteria: Natera Variant Classification Schema (03/2026). Collection method: clinical testing. Allele origin: germline.
Comment: The c.253G>A variant in CBS is a missense variant predicted to cause substitution of glycine to arginine at amino acid 85. This variant is rare in the general population with a frequency below the threshold expected for the associated phenotype(s). This variant has been observed in one or more individuals affected with the associated recessive disease, as either homozygous or compound heterozygous with a second variant (PMID: 24211323, 34342182, 1520339). Given the available evidence, this variant is classified as Pathogenic.

Labcorp Genetics (formerly Invitae), Labcorp
Classification: Pathogenic for HYPERHOMOCYSTEINEMIA, THROMBOTIC, CBS-RELATED. Last evaluated: 2025-05-11. Review status: criteria provided, single submitter. Criteria: Invitae Variant Classification Sherloc (09022015). Collection method: clinical testing. Allele origin: germline.
Comment: This sequence change replaces glycine, which is neutral and non-polar, with arginine, which is basic and polar, at codon 85 of the CBS protein (p.Gly85Arg). This variant is present in population databases (no rsID available, gnomAD 0.0009%). This missense change has been observed in individuals with homocystinuria (PMID: 12007221, 14972327, 21520339, 23981774, 24211323, 29352562). ClinVar contains an entry for this variant (Variation ID: 212874). Invitae Evidence Modeling of protein sequence and biophysical properties (such as structural, functional, and spatial information, amino acid conservation, physicochemical variation, residue mobility, and thermodynamic stability) indicates that this missense variant is expected to disrupt CBS protein function with a positive predictive value of 95%. Experimental studies have shown that this missense change affects CBS function (PMID: 12007221, 22267502). For these reasons, this variant has been classified as Pathogenic.

GeneDx
Classification: Pathogenic. Last evaluated: 2024-01-25. Review status: criteria provided, single submitter. Criteria: GeneDx Variant Classification Process June 2021. Collection method: clinical testing. Allele origin: germline. Affected: yes.
Comment: Published functional studies demonstrate a damaging effect with this variant resulting no enzymatic activity in vitro (PMID: 12007221); Not observed at significant frequency in large population cohorts (gnomAD); In silico analysis supports that this missense variant has a deleterious effect on protein structure/function; This variant is associated with the following publications: (PMID: 22267502, 21520339, 14972327, 24211323, 12007221, 10338090, 23981774, 34342182)

Baylor Genetics
Classification: Pathogenic for Classic homocystinuria. Last evaluated: 2023-08-24. Review status: criteria provided, single submitter. Criteria: ACMG Guidelines, 2015. Collection method: clinical testing. Allele origin: unknown.

Revvity Omics, Revvity
Classification: Pathogenic for Classic homocystinuria. Last evaluated: 2022-06-06. Review status: criteria provided, single submitter. Criteria: ACMG Guidelines, 2015. Collection method: clinical testing. Allele origin: germline.

Fulgent Genetics
Classification: Pathogenic for Classic homocystinuria. Last evaluated: 2021-07-02. Review status: criteria provided, single submitter. Criteria: ACMG Guidelines, 2015. Collection method: clinical testing. Allele origin: unknown.

Literature cited by the submitters: PubMed 24211323 (cited by Natera, Inc. and Labcorp Genetics (formerly Invitae), Labcorp); PubMed 34342182 (cited by Natera, Inc.); PubMed 1520339 (cited by Natera, Inc.); PubMed 12007221 (cited by Labcorp Genetics (formerly Invitae), Labcorp); PubMed 14972327 (cited by Labcorp Genetics (formerly Invitae), Labcorp); PubMed 21520339 (cited by Labcorp Genetics (formerly Invitae), Labcorp); PubMed 23981774 (cited by Labcorp Genetics (formerly Invitae), Labcorp); PubMed 29352562 (cited by Labcorp Genetics (formerly Invitae), Labcorp); PubMed 22267502 (cited by Labcorp Genetics (formerly Invitae), Labcorp).

NM_000071.3(CBS):c.253G>A (p.Gly85Arg)

Gene: CBS (cystathionine beta-synthase; minus strand). Cytogenetic location: 21q22.3.
Variant type: single nucleotide variant.
Coding change: c.253G>A on transcript NM_000071.3 (MANE Select); coding-DNA position 253, G replaced by A.
Protein change: p.Gly85Arg; replaces glycine 85 with arginine.
Molecular consequence: missense variant.
Genome position (GRCh38, 1-based): chr21:43,068,572, C>T on the plus strand (G>A on the coding strand, the complement: CBS is on the minus strand). VCF-style: chr21-43068572-C-T. GRCh37 (hg19) VCF-style: chr21-44488682-C-T.
Other names: p.G85R:GGG>AGG; c.253G>A, p.Gly85Arg (NM_001178008.3, NM_001178009.3, NM_001320298.2); short protein forms G85R.
Identifiers: ClinVar variation 212874 (VCV000212874.20), dbSNP rs863223435, ClinGen allele CA319849.